The following is an entry in ClinVar:

NM_000226.4(KRT9):c.500A>G (p.Tyr167Cys)

Gene: KRT9 (keratin 9; minus strand). Cytogenetic location: 17q21.2.
Variant type: single nucleotide variant.
Coding change: c.500A>G on transcript NM_000226.4 (MANE Select); coding-DNA position 500, A replaced by G.
Protein change: p.Tyr167Cys; replaces tyrosine 167 with cysteine.
Molecular consequence: missense variant.
Genome position (GRCh38, 1-based): chr17:41,571,493, T>C on the plus strand (A>G on the coding strand, the complement: KRT9 is on the minus strand). VCF-style: chr17-41571493-T-C. GRCh37 (hg19) VCF-style: chr17-39727745-T-C.
Other names: short protein forms Y167C.
Identifiers: ClinVar variation 2845774 (VCV002845774.3), dbSNP rs2144572252, ClinGen allele CA399500839.
Genomic context (GRCh38, chr17:41,571,493, plus strand): 5'-TCCTGGATCTTATTCTCCAGGTCGTTGTTGGCCTCCTCTAGAGCCTGCACCTTATCCAAG[T>C]AAGAGGCCAGCCGAGAATTGAGTTCCTGCATGGTGCTCTTCTCATTAGCAGTCAGAATAC-3'
Protein context (NP_000217.2, residues 157-177): MQELNSRLAS[Tyr167Cys]LDKVQALEEA

ClinVar aggregate classification (germline): Uncertain significance (1 of 4 stars; one submission).

Submission:

Labcorp Genetics (formerly Invitae), Labcorp
Classification: Uncertain significance. Last evaluated: 2023-07-13. Review status: criteria provided, single submitter. Criteria: Invitae Variant Classification Sherloc (09022015). Collection method: clinical testing. Allele origin: germline.
Comment: This sequence change replaces tyrosine, which is neutral and polar, with cysteine, which is neutral and slightly polar, at codon 167 of the KRT9 protein (p.Tyr167Cys). In summary, the available evidence is currently insufficient to determine the role of this variant in disease. Therefore, it has been classified as a Variant of Uncertain Significance. Advanced modeling of protein sequence and biophysical properties (such as structural, functional, and spatial information, amino acid conservation, physicochemical variation, residue mobility, and thermodynamic stability) performed at Invitae indicates that this missense variant is expected to disrupt KRT9 protein function. This missense change has been observed in individual(s) with palmoplantar keratoderma (Invitae). This variant is not present in population databases (gnomAD no frequency).